The following is an entry in ClinVar:

NM_172364.5(CACNA2D4):c.3356C>A (p.Pro1119Gln)

Gene: CACNA2D4 (calcium voltage-gated channel auxiliary subunit alpha2delta 4; minus strand). Cytogenetic location: 12p13.33.
Variant type: single nucleotide variant.
Coding change: c.3356C>A on transcript NM_172364.5 (MANE Select); coding-DNA position 3356, C replaced by A.
Protein change: p.Pro1119Gln; replaces proline 1119 with glutamine.
Molecular consequence: missense variant.
Genome position (GRCh38, 1-based): chr12:1,793,713, G>T on the plus strand (C>A on the coding strand, the complement: CACNA2D4 is on the minus strand). VCF-style: chr12-1793713-G-T. GRCh37 (hg19) VCF-style: chr12-1902879-G-T.
Other names: short protein forms P1119Q.
Identifiers: ClinVar variation 1933147 (VCV001933147.5), dbSNP rs145150489, ClinGen allele CA383346676.

ClinVar aggregate classification (germline): Uncertain significance (1 of 4 stars; one submission).

gnomAD v4.1: 15 of 1,613,468 alleles (0.00093%); highest among the groups gnomAD compares: Middle Eastern, 0.016%; no homozygotes.

Submission:

Labcorp Genetics (formerly Invitae), Labcorp
Classification: Uncertain significance. Last evaluated: 2022-08-05. Review status: criteria provided, single submitter. Criteria: Invitae Variant Classification Sherloc (09022015). Collection method: clinical testing. Allele origin: germline.
Comment: In summary, the available evidence is currently insufficient to determine the role of this variant in disease. Therefore, it has been classified as a Variant of Uncertain Significance. This sequence change replaces proline, which is neutral and non-polar, with glutamine, which is neutral and polar, at codon 1119 of the CACNA2D4 protein (p.Pro1119Gln). This variant is not present in population databases (gnomAD no frequency). This variant has not been reported in the literature in individuals affected with CACNA2D4-related conditions. Algorithms developed to predict the effect of missense changes on protein structure and function (SIFT, PolyPhen-2, Align-GVGD) all suggest that this variant is likely to be tolerated.